The following is an entry in ClinVar:

ClinVar aggregate classification (germline): Uncertain significance (1 of 4 stars; one submission).

Submission:

Labcorp Genetics (formerly Invitae), Labcorp
Classification: Uncertain significance. Last evaluated: 2021-04-16. Review status: criteria provided, single submitter. Criteria: Invitae Variant Classification Sherloc (09022015). Collection method: clinical testing. Allele origin: germline.
Comment: In summary, the available evidence is currently insufficient to determine the role of this variant in disease. Therefore, it has been classified as a Variant of Uncertain Significance. Algorithms developed to predict the effect of missense changes on protein structure and function are either unavailable or do not agree on the potential impact of this missense change (SIFT: "Deleterious"; PolyPhen-2: "Probably Damaging"; Align-GVGD: "Class C0"). This variant has been observed in individual(s) with hemochromatosis (Invitae). In at least one individual the data is consistent with the variant being in trans (on the opposite chromosome) from a pathogenic variant. This variant is not present in population databases (ExAC no frequency). This sequence change replaces threonine with proline at codon 90 of the HJV protein (p.Thr90Pro). The threonine residue is highly conserved and there is a small physicochemical difference between threonine and proline.

NM_213653.4(HJV):c.268A>C (p.Thr90Pro)

Gene: HJV (hemojuvelin BMP co-receptor; minus strand). Cytogenetic location: 1q21.1.
Variant type: single nucleotide variant.
Coding change: c.268A>C on transcript NM_213653.4 (MANE Select); coding-DNA position 268, A replaced by C.
Protein change: p.Thr90Pro; replaces threonine 90 with proline.
Molecular consequence: missense variant. On other transcripts: 5 prime UTR variant (1), intron variant (3).
Genome position (GRCh38, 1-based): chr1:146,019,564, T>G on the plus strand (A>C on the coding strand, the complement: HJV is on the minus strand). VCF-style: chr1-146019564-T-G. GRCh37 (hg19) VCF-style: chr1-145415449-A-C.
Other names: c.268A>C, p.Thr90Pro (NM_001379352.1); c.-72A>C (NM_145277.5); c.-21-864A>C (NM_213652.4); c.-22+134A>C (NM_202004.4, NM_001316767.2); short protein forms T90P.
Identifiers: ClinVar variation 1417797 (VCV001417797.8), dbSNP rs781909591, ClinGen allele CA342142881.